The following is an entry in ClinVar:

ClinVar aggregate classification (germline): Uncertain significance. Review status: criteria provided, multiple submitters, no conflicts (2 of 4 stars). 2 submissions from 2 submitters: Uncertain significance (2). Last evaluated 2025-09-02.

Submissions (2):

Labcorp Genetics (formerly Invitae), Labcorp
Classification: Uncertain significance. Last evaluated: 2025-09-02. Review status: criteria provided, single submitter. Criteria: Invitae Variant Classification Sherloc (09022015). Collection method: clinical testing. Allele origin: germline.
Comment: This sequence change falls in intron 16 of the IMPDH1 gene. It does not directly change the encoded amino acid sequence of the IMPDH1 protein. It affects a nucleotide within the consensus splice site. This variant is not present in population databases (gnomAD no frequency). This variant has not been reported in the literature in individuals affected with IMPDH1-related conditions. ClinVar contains an entry for this variant (Variation ID: 866899). Variants that disrupt the consensus splice site are a relatively common cause of aberrant splicing (PMID: 17576681, 9536098). Algorithms developed to predict the effect of sequence changes on RNA splicing suggest that this variant may disrupt the consensus splice site. In summary, the available evidence is currently insufficient to determine the role of this variant in disease. Therefore, it has been classified as a Variant of Uncertain Significance.

Blueprint Genetics
Classification: Uncertain significance. Last evaluated: 2017-09-01. Review status: criteria provided, single submitter. Criteria: ACMG Guidelines, 2015. Collection method: clinical testing. Allele origin: germline.

Literature cited by the submitters: PubMed 17576681 (cited by Labcorp Genetics (formerly Invitae), Labcorp); PubMed 9536098 (cited by Labcorp Genetics (formerly Invitae), Labcorp).

NM_000883.4(IMPDH1):c.1778+5G>A

Gene: IMPDH1 (inosine monophosphate dehydrogenase 1; minus strand). Cytogenetic location: 7q32.1.
Variant type: single nucleotide variant.
Coding change: c.1778+5G>A on transcript NM_000883.4 (MANE Select); 5 bases into the intron after coding-DNA position 1778, G replaced by A.
Molecular consequence: intron variant.
Genome position (GRCh38, 1-based): chr7:128,394,273, C>T on the plus strand (G>A on the coding strand, the complement: IMPDH1 is on the minus strand). VCF-style: chr7-128394273-C-T. GRCh37 (hg19) VCF-style: chr7-128034327-C-T.
Other names: c.1571+5G>A (NM_001304521.2); c.1670+5G>A (NM_183243.3); c.1748+5G>A (NM_001102605.2); c.1679+5G>A (NM_001142576.2); c.1448+5G>A (NM_001142575.2); c.1508+5G>A (NM_001142574.2); c.1523+5G>A (NM_001142573.2).
Identifiers: ClinVar variation 866899 (VCV000866899.10), dbSNP rs1797745177, ClinGen allele CA916082960.